The following is an entry in ClinVar:

NM_145331.3(MAP3K7):c.319G>A (p.Ala107Thr)

Gene: MAP3K7 (mitogen-activated protein kinase kinase kinase 7; minus strand). Cytogenetic location: 6q15.
Variant type: single nucleotide variant.
Coding change: c.319G>A on transcript NM_145331.3 (MANE Select); coding-DNA position 319, G replaced by A.
Protein change: p.Ala107Thr; replaces alanine 107 with threonine.
Molecular consequence: missense variant.
Genome position (GRCh38, 1-based): chr6:90,561,646, C>T on the plus strand (G>A on the coding strand, the complement: MAP3K7 is on the minus strand). VCF-style: chr6-90561646-C-T. GRCh37 (hg19) VCF-style: chr6-91271365-C-T.
Other names: c.319G>A, p.Ala107Thr (NM_003188.4, NM_145332.3, NM_145333.3); short protein forms A107T.
Identifiers: ClinVar variation 422420 (VCV000422420.2), dbSNP rs1064795771, ClinGen allele CA16618340.

ClinVar aggregate classification (germline): Likely pathogenic (1 of 4 stars; one submission).

Submission:

GeneDx
Classification: Likely pathogenic. Last evaluated: 2016-10-05. Review status: criteria provided, single submitter. Criteria: GeneDx Variant Classification (06012015). Collection method: clinical testing. Allele origin: germline. Affected: yes.
Comment: The A107T variant in the MAP3K7 gene has not been reported previously as a pathogenic variant, nor as a benign variant, to our knowledge. The A107T variant was not observed in approximately 6500 individuals of European and African American ancestry in the NHLBI Exome Sequencing Project, indicating it is not a common benign variant in these populations. The A107T variant is a non-conservative amino acid substitution, which is likely to impact secondary protein structure as these residues differ in polarity, charge, size and/or other properties. This substitution occurs at a position that is conserved across species and in silico analysis predicts this variant is probably damaging to the protein structure/function. The A107T variant is a strong candidate for a pathogenic variant